The following is an entry in ClinVar:

NM_001367561.1(DOCK7):c.958G>T (p.Ala320Ser)

Gene: DOCK7 (dedicator of cytokinesis 7; minus strand). Cytogenetic location: 1p31.3.
Variant type: single nucleotide variant.
Coding change: c.958G>T on transcript NM_001367561.1 (MANE Select); coding-DNA position 958, G replaced by T.
Protein change: p.Ala320Ser; replaces alanine 320 with serine.
Molecular consequence: missense variant.
Genome position (GRCh38, 1-based): chr1:62,634,850, C>A on the plus strand (G>T on the coding strand, the complement: DOCK7 is on the minus strand). VCF-style: chr1-62634850-C-A. GRCh37 (hg19) VCF-style: chr1-63100521-C-A.
Other names: c.958G>T, p.Ala320Ser (NM_001271999.2, NM_001272000.2, NM_001272001.2 and 3 more transcripts); short protein forms A320S.
Identifiers: ClinVar variation 1721643 (VCV001721643.6), dbSNP rs1318028610, ClinGen allele CA340622037.

ClinVar aggregate classification (germline): Uncertain significance (1 of 4 stars; one submission).

Conditions:
Developmental and epileptic encephalopathy, 23 (DEE23). Also called: Epileptic encephalopathy, early infantile, 23. Identifiers: Orphanet 411986, MedGen C4014492, MONDO:0014371, OMIM 615859.

Submission:

Labcorp Genetics (formerly Invitae), Labcorp
Classification: Uncertain significance for Developmental and epileptic encephalopathy, 23. Last evaluated: 2022-10-14. Review status: criteria provided, single submitter. Criteria: Invitae Variant Classification Sherloc (09022015). Collection method: clinical testing. Allele origin: germline.
Comment: This variant has not been reported in the literature in individuals affected with DOCK7-related conditions. In summary, the available evidence is currently insufficient to determine the role of this variant in disease. Therefore, it has been classified as a Variant of Uncertain Significance. Advanced modeling of protein sequence and biophysical properties (such as structural, functional, and spatial information, amino acid conservation, physicochemical variation, residue mobility, and thermodynamic stability) performed at Invitae indicates that this missense variant is not expected to disrupt DOCK7 protein function. This variant is not present in population databases (gnomAD no frequency). This sequence change replaces alanine, which is neutral and non-polar, with serine, which is neutral and polar, at codon 320 of the DOCK7 protein (p.Ala320Ser).